The following is an entry in ClinVar:

ClinVar aggregate classification (germline): Uncertain significance (1 of 4 stars; one submission).

Submission:

GeneDx
Classification: Uncertain significance. Last evaluated: 2019-12-26. Review status: criteria provided, single submitter. Criteria: GeneDx Variant Classification Process June 2021. Collection method: clinical testing. Allele origin: germline. Affected: yes.
Comment: Not observed in large population cohorts (Lek et al., 2016); The majority of missense variants in this gene are considered pathogenic (Stenson et al., 2014); In silico analysis, which includes protein predictors and evolutionary conservation, supports a deleterious effect; Has not been previously published as pathogenic or benign to our knowledge

NM_004333.6(BRAF):c.1976T>C (p.Ile659Thr)

Gene: BRAF (B-Raf proto-oncogene, serine/threonine kinase; minus strand). Cytogenetic location: 7q34.
Variant type: single nucleotide variant.
Coding change: c.1976T>C on transcript NM_004333.6 (MANE Select); coding-DNA position 1976, T replaced by C.
Protein change: p.Ile659Thr; replaces isoleucine 659 with threonine.
Molecular consequence: missense variant.
Genome position (GRCh38, 1-based): chr7:140,749,303, A>G on the plus strand (T>C on the coding strand, the complement: BRAF is on the minus strand). VCF-style: chr7-140749303-A-G. GRCh37 (hg19) VCF-style: chr7-140449103-A-G.
Other names: c.1976T>C, p.Ile659Thr (NM_001354609.2, NM_001378468.1, NM_001378474.1); c.2096T>C, p.Ile699Thr (NM_001374244.1, NM_001374258.1); c.1985T>C, p.Ile662Thr (NM_001378467.1); c.1910T>C, p.Ile637Thr (NM_001378469.1); c.1874T>C, p.Ile625Thr (NM_001378470.1); c.1865T>C, p.Ile622Thr (NM_001378471.1); c.1820T>C, p.Ile607Thr (NM_001378472.1, NM_001378473.1); c.1712T>C, p.Ile571Thr (NM_001378475.1); short protein forms I571T, I607T, I622T, I625T, I637T, I659T, I662T, I699T.
Identifiers: ClinVar variation 1320919 (VCV001320919.2), dbSNP rs2128994327, ClinGen allele CA369540469.